The following is an entry in ClinVar:

ClinVar aggregate classification (germline): Likely pathogenic (1 of 4 stars; one submission).

Submission:

CeGaT Center for Human Genetics Tuebingen
Classification: Likely pathogenic. Last evaluated: 2023-11-01. Review status: criteria provided, single submitter. Criteria: CeGaT Center For Human Genetics Tuebingen Variant Classification Criteria Version 2. Collection method: clinical testing. Allele origin: germline. Affected: yes. Observed: 3 variant alleles.
Comment: FLNC: PS2, PM2

NM_001458.5(FLNC):c.584T>G (p.Val195Gly)

Gene: FLNC (filamin C; plus strand). Cytogenetic location: 7q32.1.
Variant type: single nucleotide variant.
Coding change: c.584T>G on transcript NM_001458.5 (MANE Select); coding-DNA position 584, T replaced by G.
Protein change: p.Val195Gly; replaces valine 195 with glycine.
Molecular consequence: missense variant.
Genome position (GRCh38, 1-based): chr7:128,835,557, T>G. VCF-style: chr7-128835557-T-G. GRCh37 (hg19) VCF-style: chr7-128475611-T-G.
Other names: c.584T>G, p.Val195Gly (NM_001127487.2); short protein forms V195G.
Identifiers: ClinVar variation 871195 (VCV000871195.41), dbSNP rs1808061980, ClinGen allele CA369219786.